The following is an entry in ClinVar:

NM_020207.7(ERCC6L2):c.1406A>G (p.Lys469Arg)

Gene: ERCC6L2 (ERCC excision repair 6 like 2; plus strand). Cytogenetic location: 9q22.32.
Variant type: single nucleotide variant.
Coding change: c.1406A>G on transcript NM_020207.7 (MANE Select); coding-DNA position 1406, A replaced by G.
Protein change: p.Lys469Arg; replaces lysine 469 with arginine.
Molecular consequence: missense variant. On other transcripts: non-coding transcript variant (1).
Genome position (GRCh38, 1-based): chr9:95,922,411, A>G. VCF-style: chr9-95922411-A-G. GRCh37 (hg19) VCF-style: chr9-98684693-A-G.
Other names: c.1406A>G, p.Lys469Arg (NM_001010895.4, NM_001375291.1, NM_001375292.1 and 2 more transcripts); short protein forms K469R.
Identifiers: ClinVar variation 3845897 (VCV003845897.1).

ClinVar aggregate classification (germline): Uncertain significance (1 of 4 stars; one submission).

Conditions:
Inborn genetic diseases. Identifiers: MedGen C0950123, MeSH D030342.

gnomAD v4.1: 10 of 1,596,800 alleles (0.00063%); highest among the groups gnomAD compares: Non-Finnish European, 0.00086%; no homozygotes.

Submission:

Ambry Genetics
Classification: Uncertain significance for Inborn genetic diseases. Last evaluated: 2025-01-27. Review status: criteria provided, single submitter. Criteria: Ambry Variant Classification Scheme 2023. Collection method: clinical testing. Allele origin: germline.
Comment: The p.K469R variant (also known as c.1406A>G), located in coding exon 8 of the ERCC6L2 gene, results from an A to G substitution at nucleotide position 1406. The lysine at codon 469 is replaced by arginine, an amino acid with highly similar properties. This amino acid position is conserved. In addition, this alteration is predicted to be tolerated by in silico analysis. Based on the available evidence, the clinical significance of this variant remains unclear.